The following is an entry in ClinVar:

ClinVar aggregate classification (germline): Benign/Likely benign. Review status: criteria provided, multiple submitters, no conflicts (2 of 4 stars). 9 submissions from 8 submitters: Benign (2); Likely benign (4). 3 of the submissions do not count toward it. Last evaluated 2026-01-31.

Conditions:
Usher syndrome type 2A. Also called: USHER SYNDROME, TYPE IIA; RETINAL DISEASE IN USHER SYNDROME TYPE IIA, MODIFIER OF. Identifiers: Orphanet 231178, Orphanet 886, MedGen C1848634, MONDO:0010169, OMIM 276901.
Retinitis pigmentosa 39 (RP39). Identifiers: Orphanet 791, MedGen C3151138, MONDO:0013436, OMIM 613809.

Allele frequency attached by ClinVar (database versions not stated): TOPMed 0.00352; ESP Exome Variant Server 0.00408; 1000 Genomes Project 30x 0.00281; gnomAD 0.00311 and 0.00339; gnomAD exomes 0.00033 and 0.00087; ExAC 0.00110; 1000 Genomes Project 0.00240.
gnomAD v4.1: 958 of 1,614,176 alleles (0.059%); highest among the groups gnomAD compares: African/African-American, 1.2%; 7 homozygotes.

Submissions (9):

Labcorp Genetics (formerly Invitae), Labcorp
Classification: Benign. Last evaluated: 2026-01-31. Review status: criteria provided, single submitter. Criteria: Invitae Variant Classification Sherloc (09022015). Collection method: clinical testing. Allele origin: germline.

Blueprint Genetics
Classification: Likely benign. Last evaluated: 2024-10-16. Review status: criteria provided, single submitter. Criteria: ACMG Guidelines, 2015. Collection method: clinical testing. Allele origin: germline.

Genome-Nilou Lab
Classification: Likely benign for Retinitis pigmentosa 39. Last evaluated: 2023-11-04. Review status: criteria provided, single submitter. Criteria: ACMG Guidelines, 2015. Collection method: clinical testing. Allele origin: germline. Affected: no.

Genome-Nilou Lab
Classification: Likely benign for Usher syndrome type 2A. Last evaluated: 2023-11-04. Review status: criteria provided, single submitter. Criteria: ACMG Guidelines, 2015. Collection method: clinical testing. Allele origin: germline. Affected: no.

GeneDx
Classification: Likely benign. Last evaluated: 2020-10-29. Review status: criteria provided, single submitter. Criteria: GeneDx Variant Classification Process June 2021. Collection method: clinical testing. Allele origin: germline. Affected: yes.
Comment: This variant is associated with the following publications: (PMID: 25468891)

Laboratory for Molecular Medicine, Mass General Brigham Personalized Medicine
Classification: Benign. Last evaluated: 2012-05-15. Review status: criteria provided, single submitter. Criteria: LMM Criteria. Collection method: clinical testing. Allele origin: germline. Observed: 5 variant alleles.
Comment: Ser4772Phe in Exon 65 of USH2A: This variant is not expected to have clinical si gnificance because it has been identified in 1.1% (41/3738) of African American chromosomes from a broad population by the NHLBI Exome Sequencing Project (dbSNP rs149222801).

Natera, Inc.
Classification: Likely benign for Usher syndrome type 2A. Last evaluated: 2021-08-27. Review status: no assertion criteria provided. Collection method: clinical testing. Allele origin: germline. Not counted in ClinVar's aggregate classification.

Clinical Genetics DNA and cytogenetics Diagnostics Lab, Erasmus MC, Erasmus Medical Center
Classification: Benign. Review status: no assertion criteria provided. Collection method: clinical testing. Allele origin: germline. Affected: yes. Study: VKGL Data-share Consensus. Not counted in ClinVar's aggregate classification.

Clinical Genetics, Academic Medical Center
Classification: Likely benign. Review status: no assertion criteria provided. Collection method: clinical testing. Allele origin: germline. Affected: yes. Study: VKGL Data-share Consensus. Not counted in ClinVar's aggregate classification.

NM_206933.4(USH2A):c.14315C>T (p.Ser4772Phe)

Gene: USH2A (usherin; minus strand). Cytogenetic location: 1q41.
Variant type: single nucleotide variant.
Coding change: c.14315C>T on transcript NM_206933.4 (MANE Select); coding-DNA position 14315, C replaced by T.
Protein change: p.Ser4772Phe; replaces serine 4772 with phenylalanine.
Molecular consequence: missense variant.
Genome position (GRCh38, 1-based): chr1:215,650,620, G>A on the plus strand (C>T on the coding strand, the complement: USH2A is on the minus strand). VCF-style: chr1-215650620-G-A. GRCh37 (hg19) VCF-style: chr1-215823962-G-A.
Other names: short protein forms S4772F.
Identifiers: ClinVar variation 48434 (VCV000048434.23), dbSNP rs149222801, ClinGen allele CA143344.